The following is an entry in ClinVar:

NM_001378454.1(ALMS1):c.7735A>T (p.Ile2579Phe)

Gene: ALMS1 (ALMS1 centrosome and basal body associated protein; plus strand). Cytogenetic location: 2p13.1.
Variant type: single nucleotide variant.
Coding change: c.7735A>T on transcript NM_001378454.1 (MANE Select); coding-DNA position 7735, A replaced by T.
Protein change: p.Ile2579Phe; replaces isoleucine 2579 with phenylalanine.
Molecular consequence: missense variant.
Genome position (GRCh38, 1-based): chr2:73,489,694, A>T. VCF-style: chr2-73489694-A-T. GRCh37 (hg19) VCF-style: chr2-73716821-A-T.
Other names: c.7738A>T, p.Ile2580Phe (NM_015120.4); short protein forms I2580F, I2579F.
Identifiers: ClinVar variation 2089608 (VCV002089608.2), dbSNP rs748760764, ClinGen allele CA1714333.

ClinVar aggregate classification (germline): Uncertain significance. Review status: criteria provided, multiple submitters, no conflicts (2 of 4 stars). 2 submissions from 2 submitters: Uncertain significance (2). Last evaluated 2024-04-25.

Conditions:
Alstrom syndrome (ALMS). Identifiers: Orphanet 64, MedGen C0268425, MONDO:0008763, OMIM 203800.

Allele frequency attached by ClinVar (database versions not stated): TOPMed below 0.00001; ExAC 0.00001; gnomAD 0.00001.
gnomAD v4.1: 4 of 1,613,982 alleles (0.00025%); highest among the groups gnomAD compares: Non-Finnish European, 0.00034%; no homozygotes.

Submissions (2):

GeneDx
Classification: Uncertain significance. Last evaluated: 2024-04-25. Review status: criteria provided, single submitter. Criteria: GeneDx Variant Classification Process June 2021. Collection method: clinical testing. Allele origin: germline. Affected: yes.
Comment: Not observed at significant frequency in large population cohorts (gnomAD); In silico analysis supports that this missense variant has a deleterious effect on protein structure/function; Has not been previously published as pathogenic or benign to our knowledge

Labcorp Genetics (formerly Invitae), Labcorp
Classification: Uncertain significance for Alstrom syndrome. Last evaluated: 2022-03-11. Review status: criteria provided, single submitter. Criteria: Invitae Variant Classification Sherloc (09022015). Collection method: clinical testing. Allele origin: germline.
Comment: This sequence change replaces isoleucine, which is neutral and non-polar, with phenylalanine, which is neutral and non-polar, at codon 2580 of the ALMS1 protein (p.Ile2580Phe). This variant is present in population databases (rs748760764, gnomAD 0.002%). This variant has not been reported in the literature in individuals affected with ALMS1-related conditions. Experimental studies and prediction algorithms are not available or were not evaluated, and the functional significance of this variant is currently unknown. In summary, the available evidence is currently insufficient to determine the role of this variant in disease. Therefore, it has been classified as a Variant of Uncertain Significance.